The following is an entry in ClinVar:

NM_006947.4(SRP72):c.89C>G (p.Ala30Gly)

Gene: SRP72 (signal recognition particle 72; plus strand). Cytogenetic location: 4q12.
Variant type: single nucleotide variant.
Coding change: c.89C>G on transcript NM_006947.4 (MANE Select); coding-DNA position 89, C replaced by G.
Protein change: p.Ala30Gly; replaces alanine 30 with glycine.
Molecular consequence: missense variant. On other transcripts: non-coding transcript variant (1).
Genome position (GRCh38, 1-based): chr4:56,467,724, C>G. VCF-style: chr4-56467724-C-G. GRCh37 (hg19) VCF-style: chr4-57333890-C-G.
Other names: c.89C>G, p.Ala30Gly (NM_001267722.2); short protein forms A30G.
Identifiers: ClinVar variation 3449403 (VCV003449403.1).

ClinVar aggregate classification (germline): Uncertain significance (1 of 4 stars; one submission).

Submission:

Ambry Genetics
Classification: Uncertain significance. Last evaluated: 2024-11-23. Review status: criteria provided, single submitter. Criteria: Ambry Variant Classification Scheme 2023. Collection method: clinical testing. Allele origin: germline.
Comment: The p.A30G variant (also known as c.89C>G), located in coding exon 1 of the SRP72 gene, results from a C to G substitution at nucleotide position 89. The alanine at codon 30 is replaced by glycine, an amino acid with similar properties. This amino acid position is conserved. In addition, this alteration is predicted to be deleterious by in silico analysis. Based on the available evidence, the clinical significance of this variant remains unclear.